The following is an entry in ClinVar:

ClinVar aggregate classification (germline): Uncertain significance (1 of 4 stars; one submission).

Conditions:
Familial encephalopathy with neuroserpin inclusion bodies. Also called: ENCEPHALOPATHY, FAMILIAL, WITH COLLINS BODIES. Identifiers: Orphanet 85110, MedGen C1858680, MONDO:0011412, OMIM 604218.

Submission:

Labcorp Genetics (formerly Invitae), Labcorp
Classification: Uncertain significance for Familial encephalopathy with neuroserpin inclusion bodies. Last evaluated: 2024-08-05. Review status: criteria provided, single submitter. Criteria: Invitae Variant Classification Sherloc (09022015). Collection method: clinical testing. Allele origin: germline.
Comment: This sequence change replaces leucine, which is neutral and non-polar, with valine, which is neutral and non-polar, at codon 267 of the SERPINI1 protein (p.Leu267Val). This variant is not present in population databases (gnomAD no frequency). This variant has not been reported in the literature in individuals affected with SERPINI1-related conditions. Advanced modeling of protein sequence and biophysical properties (such as structural, functional, and spatial information, amino acid conservation, physicochemical variation, residue mobility, and thermodynamic stability) performed at Invitae indicates that this missense variant is not expected to disrupt SERPINI1 protein function with a negative predictive value of 80%. In summary, the available evidence is currently insufficient to determine the role of this variant in disease. Therefore, it has been classified as a Variant of Uncertain Significance.

NM_001122752.2(SERPINI1):c.799C>G (p.Leu267Val)

Gene: SERPINI1 (serpin family I member 1; plus strand). Cytogenetic location: 3q26.1.
Variant type: single nucleotide variant.
Coding change: c.799C>G on transcript NM_001122752.2 (MANE Select); coding-DNA position 799, C replaced by G.
Protein change: p.Leu267Val; replaces leucine 267 with valine.
Molecular consequence: missense variant.
Genome position (GRCh38, 1-based): chr3:167,794,742, C>G. VCF-style: chr3-167794742-C-G. GRCh37 (hg19) VCF-style: chr3-167512530-C-G.
Other names: c.799C>G, p.Leu267Val (NM_005025.5); short protein forms L267V.
Identifiers: ClinVar variation 2711371 (VCV002711371.3), dbSNP rs2476235887, ClinGen allele CA355157161.